The following is an entry in ClinVar:

NM_001267550.2(TTN):c.33971A>C (p.Lys11324Thr)

Gene: TTN (titin; minus strand). Cytogenetic location: 2q31.2.
Variant type: single nucleotide variant.
Coding change: c.33971A>C on transcript NM_001267550.2 (MANE Select); coding-DNA position 33971, A replaced by C.
Protein change: p.Lys11324Thr; replaces lysine 11324 with threonine.
Molecular consequence: missense variant. On other transcripts: intron variant (3).
Genome position (GRCh38, 1-based): chr2:178,678,148, T>G on the plus strand (A>C on the coding strand, the complement: TTN is on the minus strand). VCF-style: chr2-178678148-T-G. GRCh37 (hg19) VCF-style: chr2-179542875-T-G.
Other names: c.33020A>C, p.Lys11007Thr (NM_001256850.1); c.30239A>C, p.Lys10080Thr (NM_133378.4); c.13283-35831A>C (NM_003319.4); c.13859-35831A>C (NM_133437.4); c.13658-35831A>C (NM_133432.3); short protein forms K10080T, K11007T, K11324T.
Identifiers: ClinVar variation 4537543 (VCV004537543.1).

ClinVar aggregate classification (germline): Uncertain significance (1 of 4 stars; one submission).

gnomAD v4.1: 1 of 1,611,302 alleles (0.000062%); highest among the groups gnomAD compares: Non-Finnish European, 0.000085%; no homozygotes.

Submission:

GeneDx
Classification: Uncertain significance. Last evaluated: 2025-06-12. Review status: criteria provided, single submitter. Criteria: GeneDx Variant Classification Process June 2021. Collection method: clinical testing. Allele origin: germline. Affected: yes.
Comment: Not observed at significant frequency in large population cohorts (gnomAD); Missense variant in a gene in which most reported pathogenic variants are truncating/loss of function; Has not been previously published as pathogenic or benign to our knowledge